The following is an entry in ClinVar:

Conditions:
Breast-ovarian cancer, familial, susceptibility to, 1 (BROVCA1). Also called: BRCA1 Hereditary Breast and Ovarian Cancer; OVARIAN CANCER, SUSCEPTIBILITY TO. Identifiers: Orphanet 145, MedGen C2676676, MONDO:0011450, OMIM 604370. Disease mechanism: loss of function.

Submission:

Brotman Baty Institute, University of Washington
No classification provided (evidence only). Condition: Breast-ovarian cancer, familial 1. Review status: no classification provided. Collection method: in vitro. Allele origin: not applicable. Functional consequence: functionally_normal.
ClinVar note: "not provided" was previously submitted as the classification for the variant. However, the classification appeared to be based only on an observation of functional data so it was converted to no classification on 2025-07-30.

NM_007294.4(BRCA1):c.120C>G (p.Asp40Glu)

Gene: BRCA1 (BRCA1 DNA repair associated; minus strand). Cytogenetic location: 17q21.31.
Variant type: single nucleotide variant.
Coding change: c.120C>G on transcript NM_007294.4 (MANE Select); coding-DNA position 120, C replaced by G.
Protein change: p.Asp40Glu; replaces aspartic acid 40 with glutamic acid.
Molecular consequence: missense variant. On other transcripts: non-coding transcript variant (1), intron variant (1).
Genome position (GRCh38, 1-based): chr17:43,115,740, G>C on the plus strand (C>G on the coding strand, the complement: BRCA1 is on the minus strand). VCF-style: chr17-43115740-G-C. GRCh37 (hg19) VCF-style: chr17-41267757-G-C.
Other names: c.120C>G, p.Asp40Glu (NM_001408416.1, NM_001408418.1, NM_001408419.1 and 192 more transcripts); c.-22C>G (NM_001408452.1, NM_001408453.1, NM_001408458.1 and 47 more transcripts); c.-138C>G (NM_001408455.1, NM_001408456.1, NM_001408468.1 and 13 more transcripts); c.-142C>G (NM_001408465.1, NM_001407695.1); c.-69C>G (NM_001408478.1, NM_001408479.1, NM_001408480.1 and 52 more transcripts); c.-185C>G (NM_001408492.1, NM_001407889.1, NM_001407900.1); c.-184C>G (NM_001408510.1, NM_001408512.1, NM_001407960.1 and 1 more transcripts); c.-8+8277C>G (NM_007297.4); and 2 more; short protein forms D40E.
Identifiers: ClinVar variation 868160 (VCV000868160.3), dbSNP rs1060504580, ClinGen allele CA10601918.
Genomic context (GRCh38, chr17:43,115,740, plus strand): 5'-AAAAACAAAAGCTAATAATGGAGCCACATAACACATTCAAACTTACTTGCAAAATATGTG[G>C]TCACACTTTGTGGAGACAGGTTCCTTGATCAACTCCAGACTAGCAGGGTAGGGGGGGAGA-3'
Protein context (NP_009225.1, residues 30-50): LIKEPVSTKC[Asp40Glu]HIFCKFCMLK